The following is an entry in ClinVar:

NM_176787.5(PIGN):c.2180+1G>A

Gene: PIGN (phosphatidylinositol glycan anchor biosynthesis class N; minus strand). Cytogenetic location: 18q21.33.
Variant type: single nucleotide variant.
Coding change: c.2180+1G>A on transcript NM_176787.5 (MANE Select); the canonical splice donor site of the intron after coding-DNA position 2180, G replaced by A.
Molecular consequence: splice donor variant.
Genome position (GRCh38, 1-based): chr18:62,095,847, C>T on the plus strand (G>A on the coding strand, the complement: PIGN is on the minus strand). VCF-style: chr18-62095847-C-T. GRCh37 (hg19) VCF-style: chr18-59763080-C-T.
Other names: c.2180+1G>A (NM_012327.6).
Identifiers: ClinVar variation 3691065 (VCV003691065.2).

ClinVar aggregate classification (germline): Pathogenic (1 of 4 stars; one submission).

Conditions:
Multiple congenital anomalies-hypotonia-seizures syndrome 1 (MCAHS1). Also called: GLYCOSYLPHOSPHATIDYLINOSITOL BIOSYNTHESIS DEFECT 3; PIGN-CDG; Congenital disorder of glycosylation due to PIGN deficiency. Identifiers: Orphanet 280633, MedGen C3279775, MONDO:0013563, OMIM 614080.

gnomAD v4.1: 1 of 1,562,854 alleles (0.000064%); highest among the groups gnomAD compares: East Asian, 0.0022%; no homozygotes.

Submission:

Labcorp Genetics (formerly Invitae), Labcorp
Classification: Pathogenic for Multiple congenital anomalies-hypotonia-seizures syndrome 1. Last evaluated: 2025-09-03. Review status: criteria provided, single submitter. Criteria: Invitae Variant Classification Sherloc (09022015). Collection method: clinical testing. Allele origin: germline.
Comment: This sequence change affects a donor splice site in intron 23 of the PIGN gene. RNA analysis indicates that disruption of this splice site induces altered splicing and may result in an absent or altered protein product. This variant is not present in population databases (gnomAD no frequency). Disruption of this splice site has been observed in individual(s) with multiple congenital anomalies-hypotonia-seizure syndrome (PMID: 36322149). In at least one individual the data is consistent with being in trans (on the opposite chromosome) from a pathogenic variant. It has also been observed to segregate with disease in related individuals. ClinVar contains an entry for this variant (Variation ID: 3691065). Studies have shown that disruption of this splice site results in activation of a cryptic splice site, and produces a non-functional protein and/or introduces a premature termination codon (PMID: 36322149). For these reasons, this variant has been classified as Pathogenic.

Literature cited by the submitters: PubMed 36322149.